The following is an entry in ClinVar:

ClinVar aggregate classification (germline): Conflicting classifications of pathogenicity. Review status: criteria provided, conflicting classifications (1 of 4 stars). 10 submissions from 10 submitters: Uncertain significance (1); Benign (2); Likely benign (6). 1 of the submissions does not count toward it. Last evaluated 2025-12-21.

Conditions:
TSC1-related disorder. Also called: TSC1-related condition.
Hereditary cancer-predisposing syndrome. Also called: Neoplastic Syndromes, Hereditary; Hereditary Cancer Syndrome; Tumor predisposition; Hereditary neoplastic syndrome. Identifiers: Orphanet 140162, MedGen C0027672, MeSH D009386, MONDO:0015356.
Tuberous sclerosis syndrome (TSC). Also called: Tuberous Sclerosis Complex; Tuberous sclerosis. Identifiers: Orphanet 805, MedGen C0041341, MONDO:0001734.
Tuberous sclerosis 1 (TSC1). Identifiers: Orphanet 805, MedGen C1854465, MONDO:0008612, OMIM 191100.

Allele frequency attached by ClinVar (database versions not stated): TOPMed 0.00001; ExAC 0.00002; gnomAD exomes 0.00002 and 0.00004; ESP Exome Variant Server 0.00008.
gnomAD v4.1: 63 of 1,613,668 alleles (0.0039%); highest among the groups gnomAD compares: Non-Finnish European, 0.0051%; no homozygotes.

Submissions (10):

Labcorp Genetics (formerly Invitae), Labcorp
Classification: Likely benign for Tuberous sclerosis 1. Last evaluated: 2025-12-21. Review status: criteria provided, single submitter. Criteria: Invitae Variant Classification Sherloc (09022015). Collection method: clinical testing. Allele origin: germline.

Myriad Genetics, Inc.
Classification: Benign for Tuberous sclerosis 1. Last evaluated: 2025-04-24. Review status: criteria provided, single submitter. Criteria: Myriad Autosomal Dominant, Autosomal Recessive and X-Linked Classification Criteria (2023). Collection method: clinical testing. Allele origin: unknown.
Comment: This variant is considered benign. This variant is a silent/synonymous amino acid change and it is not expected to impact splicing.

All of Us Research Program, National Institutes of Health
Classification: Likely benign for Tuberous sclerosis syndrome. Last evaluated: 2024-09-23. Review status: criteria provided, single submitter. Criteria: ACMG Guidelines, 2015. Collection method: clinical testing. Allele origin: germline. Inheritance: Autosomal dominant inheritance. Observed: 13 variant alleles, 13 heterozygotes.
Comment: This study involves interpretation of variants in research participants for the purpose of population health screening. Participant phenotype was not available at the time of variant classification. Additional details can be found in publication PMID: 35346344, PMCID: PMC8962531

Blueprint Genetics
Classification: Likely benign. Last evaluated: 2023-12-05. Review status: criteria provided, single submitter. Criteria: ACMG Guidelines, 2015. Collection method: clinical testing. Allele origin: germline.

Color Diagnostics, LLC DBA Color Health
Classification: Likely benign for Tuberous sclerosis syndrome. Last evaluated: 2023-11-08. Review status: criteria provided, single submitter. Criteria: ACMG Guidelines, 2015. Collection method: clinical testing. Allele origin: germline.

Genome-Nilou Lab
Classification: Likely benign for Tuberous sclerosis 1. Last evaluated: 2021-11-07. Review status: criteria provided, single submitter. Criteria: ACMG Guidelines, 2015. Collection method: clinical testing. Allele origin: germline. Affected: no.

Eurofins Ntd Llc (ga)
Classification: Uncertain significance. Last evaluated: 2018-04-16. Review status: criteria provided, single submitter. Criteria: EGL ClinVar v180209 classification definitions. Collection method: clinical testing. Allele origin: germline. Observed: 1 variant allele, 1 heterozygote.

Ambry Genetics
Classification: Likely benign for Hereditary cancer-predisposing syndrome. Last evaluated: 2015-09-04. Review status: criteria provided, single submitter. Criteria: Ambry Variant Classification Scheme 2023. Collection method: clinical testing. Allele origin: germline.

GeneDx
Classification: Benign. Last evaluated: 2014-07-24. Review status: criteria provided, single submitter. Criteria: GeneDx Variant Classification (06012015). Collection method: clinical testing. Allele origin: germline. Affected: yes.
Comment: This variant is considered likely benign or benign based on one or more of the following criteria: it is a conservative change, it occurs at a poorly conserved position in the protein, it is predicted to be benign by multiple in silico algorithms, and/or has population frequency not consistent with disease.

PreventionGenetics, part of Exact Sciences
Classification: Likely benign for TSC1-related condition. Last evaluated: 2023-01-03. Review status: no assertion criteria provided. Collection method: clinical testing. Allele origin: germline. Not counted in ClinVar's aggregate classification.
Comment: This variant is classified as likely benign based on ACMG/AMP sequence variant interpretation guidelines (Richards et al. 2015 PMID: 25741868, with internal and published modifications).

NM_000368.5(TSC1):c.2115G>A (p.Glu705=)

Gene: TSC1 (TSC complex subunit 1; minus strand). Cytogenetic location: 9q34.13.
Variant type: single nucleotide variant.
Coding change: c.2115G>A on transcript NM_000368.5 (MANE Select); coding-DNA position 2115, G replaced by A.
Protein change: p.Glu705=; no amino-acid change (glutamic acid 705 retained).
Molecular consequence: synonymous variant.
Genome position (GRCh38, 1-based): chr9:132,903,744, C>T on the plus strand (G>A on the coding strand, the complement: TSC1 is on the minus strand). VCF-style: chr9-132903744-C-T. GRCh37 (hg19) VCF-style: chr9-135779131-C-T.
Other names: p.E705E:GAG>GAA; c.2112G>A, p.Glu704= (NM_001162426.2); c.1962G>A, p.Glu654= (NM_001162427.2); c.1752G>A, p.Glu584= (NM_001362177.2).
Identifiers: ClinVar variation 207614 (VCV000207614.28), dbSNP rs142662480, ClinGen allele CA031535.
Genomic context (GRCh38, chr9:132,903,744, plus strand): 5'-TTTGATCACCTTGCGGAGGAGCCGCCTGTTCCGGAGGGCATGCTGCTGCCTCTTAAAACG[C>T]TCATAGAGTAACTGGTTGTGCAGTAAAAGCAACTGGTCTCGGAGGGTGCGGATCTCATCT-3'
Protein context (NP_000359.1, residues 695-715): LLLLHNQLLY[Glu705=]RFKRQQHALR